The following is an entry in ClinVar:

ClinVar aggregate classification (germline): Benign/Likely benign. Review status: criteria provided, multiple submitters, no conflicts (2 of 4 stars). 11 submissions from 10 submitters: Benign (8); Likely benign (3). Last evaluated 2026-06-01.

Conditions:
Neuroblastoma, susceptibility to, 2. Identifiers: Orphanet 635, MedGen C2751682, MONDO:0700041, OMIM 613013.
Central hypoventilation syndrome, congenital, 1, with or without Hirschsprung disease (CCHS1). Also called: Congenital Central Hypoventilation Syndrome (CCHS); AUTONOMIC CONTROL, CONGENITAL FAILURE OF; ONDINE CURSE, CONGENITAL; CENTRAL HYPOVENTILATION SYNDROME, CONGENITAL, 1; Central hypoventilation syndrome, congenital, 1, with or without Hirschsprung. Identifiers: Orphanet 661, MedGen C5562075, MONDO:0800026, OMIM 209880.
Hereditary cancer-predisposing syndrome. Also called: Tumor predisposition; Hereditary neoplastic syndrome; Neoplastic Syndromes, Hereditary; Hereditary Cancer Syndrome. Identifiers: Orphanet 140162, MedGen C0027672, MeSH D009386, MONDO:0015356.
Haddad syndrome (OHD). Also called: Ondine-Hirschsprung disease. Identifiers: Orphanet 99803, MedGen C1859049, MONDO:0020493.
Congenital central hypoventilation. Also called: Congenital Central Hypoventilation Syndrome. Identifiers: Orphanet 661, Orphanet 99803, MedGen C1275808, MONDO:0800031. Disease mechanism: gain of function.

Allele frequency attached by ClinVar (database versions not stated): gnomAD exomes 0.00105; ExAC 0.00114; 1000 Genomes Project 30x 0.00250; 1000 Genomes Project 0.00280; gnomAD 0.00374 and 0.00412; ESP Exome Variant Server 0.00408; TOPMed 0.00433.
gnomAD v4.1: 1,203 of 1,613,824 alleles (0.075%); highest among the groups gnomAD compares: African/African-American, 1.4%; 12 homozygotes.

Submissions (11):

CeGaT Center for Human Genetics Tuebingen
Classification: Likely benign. Last evaluated: 2026-06-01. Review status: criteria provided, single submitter. Criteria: CeGaT Center For Human Genetics Tuebingen Variant Classification Criteria Version 2. Collection method: clinical testing. Allele origin: germline. Affected: yes. Observed: 2 variant alleles.
Comment: PHOX2B: BP4, BP7, BS1

Labcorp Genetics (formerly Invitae), Labcorp
Classification: Benign for Haddad syndrome. Last evaluated: 2026-01-26. Review status: criteria provided, single submitter. Criteria: Invitae Variant Classification Sherloc (09022015). Collection method: clinical testing. Allele origin: germline.

KCCC/NGS Laboratory, Kuwait Cancer Control Center
Classification: Benign for Central hypoventilation syndrome, congenital, 1, with or without Hirschsprung disease. Last evaluated: 2025-02-01. Review status: criteria provided, single submitter. Criteria: ACMG Guidelines, 2015. Collection method: clinical testing. Allele origin: germline. Affected: no.

Fulgent Genetics
Classification: Likely benign for Central hypoventilation syndrome, congenital, 1, with or without Hirschsprung disease; Neuroblastoma, susceptibility to, 2. Last evaluated: 2022-04-08. Review status: criteria provided, single submitter. Criteria: ACMG Guidelines, 2015. Collection method: clinical testing. Allele origin: unknown.

GeneDx
Classification: Likely benign. Last evaluated: 2020-03-23. Review status: criteria provided, single submitter. Criteria: GeneDx Variant Classification Process June 2021. Collection method: clinical testing. Allele origin: germline. Affected: yes.

Illumina Laboratory Services, Illumina
Classification: Benign for Neuroblastoma, susceptibility to, 2. Last evaluated: 2018-01-12. Review status: criteria provided, single submitter. Criteria: ICSL Variant Classification Criteria 13 December 2019. Collection method: clinical testing. Allele origin: germline.
Comment: This variant was observed in the ICSL laboratory as part of a predisposition screen in an ostensibly healthy population. It had not been previously curated by ICSL or reported in the Human Gene Mutation Database (HGMD: prior to June 1st, 2018), and was therefore a candidate for classification through an automated scoring system. Utilizing variant allele frequency, disease prevalence and penetrance estimates, and inheritance mode, an automated score was calculated to assess if this variant is too frequent to cause the disease. Based on the score and internal cut-off values, a variant classified as benign is not then subjected to further curation. The score for this variant resulted in a classification of benign for this disease.

Illumina Laboratory Services, Illumina
Classification: Benign for Central hypoventilation syndrome, congenital, 1, with or without Hirschsprung disease. Last evaluated: 2018-01-12. Review status: criteria provided, single submitter. Criteria: ICSL Variant Classification Criteria 13 December 2019. Collection method: clinical testing. Allele origin: germline.
Comment: the same text as in the submission from Illumina Laboratory Services, Illumina above.

Ambry Genetics
Classification: Benign for Hereditary cancer-predisposing syndrome. Last evaluated: 2016-12-01. Review status: criteria provided, single submitter. Criteria: Ambry Variant Classification Scheme 2023. Collection method: clinical testing. Allele origin: germline.

Women's Health and Genetics/Laboratory Corporation of America, LabCorp
Classification: Benign. Last evaluated: 2016-05-17. Review status: criteria provided, single submitter. Criteria: LabCorp Variant Classification Summary - May 2015. Collection method: clinical testing. Allele origin: germline.
Comment: Variant summary: The PHOX2B c.450C>G (p.Arg150Arg) variant causes a synonymous change involving a non-conserved nucleotide with 5/5 splice prediction tools calculating no significant effect on splicing, although these predictions have yet to be functionally assessed. This variant was found in the large, broad control population, ExAC, with an allele frequency of 134/117664 (1 homozygote, 1/877, frequency: 0.001139), predominantly observed in the African cohort, 129/9668 (1 homozygote, 1/74, frequency: 0.01334), which significantly exceeds the estimated the maximal expected allele frequency for a pathogenic PHOX2B variant of 1/1250000 (0.0000008). Therefore, suggesting the variant is a common polymorphism found in population(s) of African origin. Therefore, taking all available lines of evidence into consideration, the variant of interest is classified as Benign.

Laboratory for Molecular Medicine, Mass General Brigham Personalized Medicine
Classification: Benign. Last evaluated: 2016-02-15. Review status: criteria provided, single submitter. Criteria: LMM Criteria. Collection method: clinical testing. Allele origin: germline. Observed: 1 variant allele.
Comment: p.Arg150Arg in exon 3 of PHOX2B: This variant is not expected to have clinical s ignificance because it does not alter an amino acid residue and is not located w ithin the splice consensus sequence. It has been identified in 1.3% (129/9668) o f African chromosomes by the Exome Aggregation Consortium (ExAC; dbSNP rs17881486).

PreventionGenetics, part of Exact Sciences
Classification: Benign. Review status: criteria provided, single submitter. Criteria: ACMG Guidelines, 2015. Collection method: clinical testing. Allele origin: germline.

NM_003924.4(PHOX2B):c.450C>G (p.Arg150=)

Gene: PHOX2B (paired like homeobox 2B; minus strand). Cytogenetic location: 4p13.
Variant type: single nucleotide variant.
Coding change: c.450C>G on transcript NM_003924.4 (MANE Select); coding-DNA position 450, C replaced by G.
Protein change: p.Arg150=; no amino-acid change (arginine 150 retained).
Molecular consequence: synonymous variant.
Genome position (GRCh38, 1-based): chr4:41,746,302, G>C on the plus strand (C>G on the coding strand, the complement: PHOX2B is on the minus strand). VCF-style: chr4-41746302-G-C. GRCh37 (hg19) VCF-style: chr4-41748319-G-C.
Identifiers: ClinVar variation 227014 (VCV000227014.46), dbSNP rs17881486, ClinGen allele CA2901495.
Genomic context (GRCh38, chr4:41,746,302, plus strand): 5'-GCCGTTCTTGGCCGCGGCCGCTGCGGCTGCCGCTGCGCGCTCCTGCTTGCGAAACTTGGC[G>C]CGGCGGTTCTGGAACCACACCTGGCCCAAGACGGAAGGAGAGACGGTGAAGCAGGGGGAG-3'
Protein context (NP_003915.2, residues 140-160): ARVQVWFQNR[Arg150=]AKFRKQERAA